The following is an entry in ClinVar:

ClinVar aggregate classification (germline): Uncertain significance (1 of 4 stars; one submission).

Submission:

Ambry Genetics
Classification: Uncertain significance. Last evaluated: 2026-07-10. Review status: criteria provided, single submitter. Criteria: Ambry Variant Classification Scheme 2023. Collection method: clinical testing. Allele origin: germline.
Comment: The c.-2-1G>C intronic variant results from a G to C substitution one nucleotide upstream from coding exon 1 in the RAD51B gene. This nucleotide position is not well conserved in available vertebrate species. In silico splice site analysis predicts that this alteration will weaken the native splice acceptor site and will result in the creation or strengthening of a novel splice acceptor site. The evidence for this gene-disease relationship is limited; therefore, the clinical significance of this variant is unclear.

NM_133510.4(RAD51B):c.-2-1G>C

Gene: RAD51B (RAD51 paralog B; plus strand). Cytogenetic location: 14q24.1.
Variant type: single nucleotide variant.
Coding change: c.-2-1G>C on transcript NM_133510.4 (MANE Select); the canonical splice acceptor site of the intron before 2 bases upstream of the start codon, G replaced by C.
Molecular consequence: splice acceptor variant. On other transcripts: 5 prime UTR variant (1).
Genome position (GRCh38, 1-based): chr14:67,823,541, G>C. VCF-style: chr14-67823541-G-C. GRCh37 (hg19) VCF-style: chr14-68290258-G-C.
Other names: c.-3G>C (NM_001321812.1); c.-2-1G>C (NM_001321818.2, NM_001321809.2, NM_001321821.2 and 5 more transcripts); c.-457-1G>C (NM_001321817.2).
Identifiers: ClinVar variation 5027773 (VCV005027773.1).